The following is an entry in ClinVar:

NM_020919.4(ALS2):c.3331G>A (p.Gly1111Ser)

Gene: ALS2 (alsin Rho guanine nucleotide exchange factor ALS2; minus strand). Cytogenetic location: 2q33.1.
Variant type: single nucleotide variant.
Coding change: c.3331G>A on transcript NM_020919.4 (MANE Select); coding-DNA position 3331, G replaced by A.
Protein change: p.Gly1111Ser; replaces glycine 1111 with serine.
Molecular consequence: missense variant.
Genome position (GRCh38, 1-based): chr2:201,725,372, C>T on the plus strand (G>A on the coding strand, the complement: ALS2 is on the minus strand). VCF-style: chr2-201725372-C-T. GRCh37 (hg19) VCF-style: chr2-202590095-C-T.
Other names: short protein forms G1111S.
Identifiers: ClinVar variation 967523 (VCV000967523.7), dbSNP rs371454893, ClinGen allele CA2057912.

ClinVar aggregate classification (germline): Uncertain significance. Review status: criteria provided, multiple submitters, no conflicts (2 of 4 stars). 5 submissions from 5 submitters: Uncertain significance (3). 2 of the submissions do not count toward it. Last evaluated 2024-09-13.

Conditions:
Infantile-onset ascending hereditary spastic paralysis (IAHSP). Also called: Infantile-Onset Ascending Hereditary Spastic Paralysis (IAHSP); Autosomal Recessive Juvenile Amyotrophic Lateral Sclerosis. Identifiers: Orphanet 293168, MedGen C2931441, MONDO:0011797, OMIM 607225. Disease mechanism: loss of function.

Allele frequency attached by ClinVar (database versions not stated): ExAC 0.00005; ESP Exome Variant Server 0.00008; gnomAD exomes 0.00008; gnomAD 0.00009 and 0.00010; TOPMed 0.00011.
gnomAD v4.1: 168 of 1,613,618 alleles (0.01%); highest among the groups gnomAD compares: Admixed American, 0.028%; no homozygotes.

Submissions (5):

Blueprint Genetics
Classification: Uncertain significance. Last evaluated: 2024-09-13. Review status: criteria provided, single submitter. Criteria: ACMG Guidelines, 2015. Collection method: clinical testing. Allele origin: germline.

GeneDx
Classification: Uncertain significance. Last evaluated: 2023-05-25. Review status: criteria provided, single submitter. Criteria: GeneDx Variant Classification Process June 2021. Collection method: clinical testing. Allele origin: germline. Affected: yes.
Comment: In silico analysis supports that this missense variant has a deleterious effect on protein structure/function; Has not been previously published as pathogenic or benign to our knowledge

Labcorp Genetics (formerly Invitae), Labcorp
Classification: Uncertain significance for Infantile-onset ascending hereditary spastic paralysis. Last evaluated: 2022-09-12. Review status: criteria provided, single submitter. Criteria: Invitae Variant Classification Sherloc (09022015). Collection method: clinical testing. Allele origin: germline.
Comment: This sequence change replaces glycine, which is neutral and non-polar, with serine, which is neutral and polar, at codon 1111 of the ALS2 protein (p.Gly1111Ser). This variant is present in population databases (rs371454893, gnomAD 0.03%). This variant has not been reported in the literature in individuals affected with ALS2-related conditions. ClinVar contains an entry for this variant (Variation ID: 967523). Advanced modeling of protein sequence and biophysical properties (such as structural, functional, and spatial information, amino acid conservation, physicochemical variation, residue mobility, and thermodynamic stability) performed at Invitae indicates that this missense variant is expected to disrupt ALS2 protein function. In summary, the available evidence is currently insufficient to determine the role of this variant in disease. Therefore, it has been classified as a Variant of Uncertain Significance.

Clinical Genetics DNA and cytogenetics Diagnostics Lab, Erasmus MC, Erasmus Medical Center
Classification: Uncertain significance. Review status: no assertion criteria provided. Collection method: clinical testing. Allele origin: germline. Affected: yes. Study: VKGL Data-share Consensus. Not counted in ClinVar's aggregate classification.

Genome Diagnostics Laboratory, Amsterdam University Medical Center
Classification: Uncertain significance. Review status: no assertion criteria provided. Collection method: clinical testing. Allele origin: germline. Affected: yes. Study: VKGL Data-share Consensus. Not counted in ClinVar's aggregate classification.